The following is an entry in ClinVar:

NM_001376.5(DYNC1H1):c.8055+6T>A

Gene: DYNC1H1 (dynein cytoplasmic 1 heavy chain 1; plus strand). Cytogenetic location: 14q32.31.
Variant type: single nucleotide variant.
Coding change: c.8055+6T>A on transcript NM_001376.5 (MANE Select); 6 bases into the intron after coding-DNA position 8055, T replaced by A.
Molecular consequence: intron variant.
Genome position (GRCh38, 1-based): chr14:102,017,300, T>A. VCF-style: chr14-102017300-T-A. GRCh37 (hg19) VCF-style: chr14-102483637-T-A.
Identifiers: ClinVar variation 1003758 (VCV001003758.9), dbSNP rs766505305, ClinGen allele CA7352915.

ClinVar aggregate classification (germline): Uncertain significance. Review status: criteria provided, multiple submitters, no conflicts (2 of 4 stars). 2 submissions from 2 submitters: Uncertain significance (2). Last evaluated 2021-04-23.

Conditions:
Charcot-Marie-Tooth disease axonal type 2O. Also called: CHARCOT-MARIE-TOOTH NEUROPATHY, AXONAL, TYPE 2O; CHARCOT-MARIE-TOOTH DISEASE, AXONAL, AUTOSOMAL DOMINANT, TYPE 2O; Charcot-Marie-Tooth disease, axonal, type 20; Charcot-Marie-Tooth Neuropathy Type 2O. Identifiers: Orphanet 284232, MedGen C3280220, MONDO:0013644, OMIM 614228.

Allele frequency attached by ClinVar (database versions not stated): gnomAD exomes below 0.00001 and 0.00001; TOPMed below 0.00001; ExAC 0.00001.
gnomAD v4.1: 11 of 1,614,234 alleles (0.00068%); highest among the groups gnomAD compares: Non-Finnish European, 0.00093%; no homozygotes.

Submissions (2):

Athena Diagnostics
Classification: Uncertain significance. Last evaluated: 2021-04-23. Review status: criteria provided, single submitter. Criteria: Athena Diagnostics criteria. Collection method: clinical testing. Allele origin: unknown.

Labcorp Genetics (formerly Invitae), Labcorp
Classification: Uncertain significance for Charcot-Marie-Tooth disease axonal type 2O. Last evaluated: 2020-08-11. Review status: criteria provided, single submitter. Criteria: Invitae Variant Classification Sherloc (09022015). Collection method: clinical testing. Allele origin: germline.
Comment: In summary, the available evidence is currently insufficient to determine the role of this variant in disease. Therefore, it has been classified as a Variant of Uncertain Significance. Nucleotide substitutions within the consensus splice site are a relatively common cause of aberrant splicing (PMID: 17576681, 9536098). Algorithms developed to predict the effect of sequence changes on RNA splicing suggest that this variant may disrupt the consensus splice site, but this prediction has not been confirmed by published transcriptional studies. This variant has not been reported in the literature in individuals with DYNC1H1-related conditions. This variant is present in population databases (rs766505305, ExAC 0.001%). This sequence change falls in intron 39 of the DYNC1H1 gene. It does not directly change the encoded amino acid sequence of the DYNC1H1 protein, but it affects a nucleotide within the consensus splice site of the intron.

Literature cited by the submitters: PubMed 17576681 (cited by Labcorp Genetics (formerly Invitae), Labcorp); PubMed 9536098 (cited by Labcorp Genetics (formerly Invitae), Labcorp).